The following is an entry in ClinVar:

GRCh37/hg19 16p13.3(chr16:62993-82412)x3

Variant type: copy number gain.
Change: copy number 3 (three copies instead of two) of chr16:62,993-82,412 (19.4 kb, GRCh37 coordinates, 1-based), cytogenetic band 16p13.3.
Identifiers: ClinVar variation 394991 (VCV000394991.3).

ClinVar aggregate classification (germline): Benign/Likely benign (0 of 4 stars; one submission).

Submission:

ISCA Site 6
Classification: Benign/Likely benign. Review status: no assertion criteria provided. Collection method: clinical testing. Allele origin: unknown. Affected: yes. Observed: 4 variant alleles. Clinical features observed: Developmental delay AND/OR other significant developmental or morphological phenotypes.
Comment: Likely benign (2), Benign (2)

Copy number variation identified through the course of routine clinical cytogenomic testing in postnatal populations, with clinical assertions as classified by the original submitter. For data from the original published study, Kaminsky, et al. 2011 (PubMed 21844811), please see nstd101.